The following is an entry in ClinVar:

ClinVar aggregate classification (germline): Uncertain significance (1 of 4 stars; one submission).

Conditions:
Dyskeratosis congenita, autosomal recessive 6 (DKCB6). Identifiers: MedGen C4225356, MONDO:0014600, OMIM 616353.
Pulmonary fibrosis and/or bone marrow failure, Telomere-related, 4. Also called: PULMONARY FIBROSIS AND/OR BONE MARROW FAILURE SYNDROME, TELOMERE-RELATED, 4. Identifiers: Orphanet 2032, MedGen C4225347, MONDO:0014612, OMIM 616371.

Allele frequency attached by ClinVar (database versions not stated): gnomAD exomes below 0.00001; TOPMed below 0.00001.

Submission:

Labcorp Genetics (formerly Invitae), Labcorp
Classification: Uncertain significance for Dyskeratosis congenita, autosomal recessive 6; Pulmonary fibrosis and/or bone marrow failure, Telomere-related, 4. Last evaluated: 2024-10-07. Review status: criteria provided, single submitter. Criteria: Invitae Variant Classification Sherloc (09022015). Collection method: clinical testing. Allele origin: germline.
Comment: This sequence change replaces alanine, which is neutral and non-polar, with valine, which is neutral and non-polar, at codon 42 of the PARN protein (p.Ala42Val). This variant is not present in population databases (gnomAD no frequency). This variant has not been reported in the literature in individuals affected with PARN-related conditions. ClinVar contains an entry for this variant (Variation ID: 1443704). Invitae Evidence Modeling of protein sequence and biophysical properties (such as structural, functional, and spatial information, amino acid conservation, physicochemical variation, residue mobility, and thermodynamic stability) indicates that this missense variant is not expected to disrupt PARN protein function with a negative predictive value of 80%. In summary, the available evidence is currently insufficient to determine the role of this variant in disease. Therefore, it has been classified as a Variant of Uncertain Significance.

NM_002582.4(PARN):c.125C>T (p.Ala42Val)

Gene: PARN (poly(A)-specific ribonuclease; minus strand). Cytogenetic location: 16p13.12.
Variant type: single nucleotide variant.
Coding change: c.125C>T on transcript NM_002582.4 (MANE Select); coding-DNA position 125, C replaced by T.
Protein change: p.Ala42Val; replaces alanine 42 with valine.
Molecular consequence: missense variant. On other transcripts: 5 prime UTR variant (1).
Genome position (GRCh38, 1-based): chr16:14,628,224, G>A on the plus strand (C>T on the coding strand, the complement: PARN is on the minus strand). VCF-style: chr16-14628224-G-A. GRCh37 (hg19) VCF-style: chr16-14722081-G-A.
Other names: c.-59C>T (NM_001134477.3); c.125C>T, p.Ala42Val (NM_001242992.2); short protein forms A42V.
Identifiers: ClinVar variation 1443704 (VCV001443704.8), dbSNP rs1972799374, ClinGen allele CA394817039.